The following is an entry in ClinVar:

ClinVar aggregate classification (germline): Uncertain significance (1 of 4 stars; one submission).

Submission:

GeneDx
Classification: Uncertain significance. Last evaluated: 2024-08-08. Review status: criteria provided, single submitter. Criteria: GeneDx Variant Classification Process June 2021. Collection method: clinical testing. Allele origin: germline. Affected: yes.
Comment: Not observed at significant frequency in large population cohorts (gnomAD); In silico analysis supports that this missense variant has a deleterious effect on protein structure/function; Has not been previously published as pathogenic or benign to our knowledge

NM_014159.7(SETD2):c.2847G>C (p.Arg949Ser)

Gene: SETD2 (SET domain containing 2, histone lysine methyltransferase; minus strand). Cytogenetic location: 3p21.31.
Variant type: single nucleotide variant.
Coding change: c.2847G>C on transcript NM_014159.7 (MANE Select); coding-DNA position 2847, G replaced by C.
Protein change: p.Arg949Ser; replaces arginine 949 with serine.
Molecular consequence: missense variant. On other transcripts: non-coding transcript variant (1).
Genome position (GRCh38, 1-based): chr3:47,121,789, C>G on the plus strand (G>C on the coding strand, the complement: SETD2 is on the minus strand). VCF-style: chr3-47121789-C-G. GRCh37 (hg19) VCF-style: chr3-47163279-C-G.
Other names: c.2715G>C, p.Arg905Ser (NM_001349370.3); short protein forms R905S, R949S.
Identifiers: ClinVar variation 3602859 (VCV003602859.1).
Genomic context (GRCh38, chr3:47,121,789, plus strand): 5'-TATGGAATTCCCTTCTTCTTGAGCCTCTTGCAAACATTTCCCAGATAACCCATTATTACG[C>G]CTGTTCTCCCTGGAAGCAAATCCCTTTCCTGAATCAGGAAGGTCACTACCTACTTCTACT-3'
Protein context (NP_054878.5, residues 939-959): SGKGFASREN[Arg949Ser]RNNGLSGKCL